The following is an entry in ClinVar:

NM_006343.3(MERTK):c.436_437del (p.Gln146fs)

Gene: MERTK (MER proto-oncogene, tyrosine kinase; plus strand). Cytogenetic location: 2q13.
Variant type: Microsatellite.
Coding change: c.436_437del on transcript NM_006343.3 (MANE Select); coding-DNA positions 436 to 437, 2 bases deleted (CA; older notation c.436_437delCA).
Protein change: p.Gln146fs; shifts the reading frame from glutamine 146.
Molecular consequence: frameshift variant.
Genome position (GRCh38, 1-based): chr2:111,929,494-111,929,495, CA deleted; deleting any 2 consecutive bases within chr2:111,929,491-111,929,495 gives the same sequence; the c. name uses the placement nearest the transcript's 3' end. VCF-style (leftmost placement, unchanged base first): chr2-111929490-TAC-T. GRCh37 (hg19) VCF-style: chr2-112687067-TAC-T.
Other names: short protein forms Q146fs.
Identifiers: ClinVar variation 2971428 (VCV002971428.3), dbSNP rs1243173716, ClinGen allele CA755205835.
Genomic context (GRCh38, chr2:111,929,490, plus strand): 5'-GGACACCACAATTTCTTGGTGGAAAGATGGGAAGGAATTGCTTGGGGCACATCATGCAAT[TAC>T]ACAGTTTTATCCAGATGATGAAGTTACAGCAATAATCGCTTCCTTCAGGTATGTGTTCTT-3'

ClinVar aggregate classification (germline): Pathogenic (1 of 4 stars; one submission).

Submission:

Labcorp Genetics (formerly Invitae), Labcorp
Classification: Pathogenic. Last evaluated: 2022-11-28. Review status: criteria provided, single submitter. Criteria: Invitae Variant Classification Sherloc (09022015). Collection method: clinical testing. Allele origin: germline.
Comment: This sequence change creates a premature translational stop signal (p.Gln146Valfs*5) in the MERTK gene. It is expected to result in an absent or disrupted protein product. Loss-of-function variants in MERTK are known to be pathogenic (PMID: 24265693, 29659094). This variant is not present in population databases (gnomAD no frequency). This premature translational stop signal has been observed in individual(s) with retinitis pigmentosa (PMID: 31047384). For these reasons, this variant has been classified as Pathogenic.

Literature cited by the submitters: PubMed 24265693; PubMed 29659094; PubMed 31047384.